The following is an entry in ClinVar:

ClinVar aggregate classification (germline): Pathogenic (1 of 4 stars; one submission).

Conditions:
Charcot-Marie-Tooth disease axonal type 2S. Also called: CHARCOT-MARIE-TOOTH DISEASE, AXONAL, AUTOSOMAL RECESSIVE, TYPE 2S; CHARCOT-MARIE-TOOTH NEUROPATHY, TYPE 2S. Identifiers: Orphanet 443073, MedGen C4015349, MONDO:0014511, OMIM 616155.
Autosomal recessive distal spinal muscular atrophy 1. Also called: SEVERE INFANTILE AXONAL NEUROPATHY WITH RESPIRATORY FAILURE; SPINAL MUSCULAR ATROPHY, DIAPHRAGMATIC; NEURONOPATHY, DISTAL HEREDITARY MOTOR, HARDING TYPE VI; NEUROPATHY, DISTAL HEREDITARY MOTOR, AUTOSOMAL RECESSIVE 1; HMN VI; NEURONOPATHY, SEVERE INFANTILE AXONAL, WITH RESPIRATORY FAILURE. Identifiers: Orphanet 98920, MedGen C1858517, MONDO:0011436, OMIM 604320.

Submission:

Labcorp Genetics (formerly Invitae), Labcorp
Classification: Pathogenic for Autosomal recessive distal spinal muscular atrophy 1; Charcot-Marie-Tooth disease axonal type 2S. Last evaluated: 2018-11-12. Review status: criteria provided, single submitter. Criteria: Invitae Variant Classification Sherloc (09022015). Collection method: clinical testing. Allele origin: germline.
Comment: Loss-of-function variants in IGHMBP2 are known to be pathogenic (PMID: 14681881, 25439726, 25568292). This variant has not been reported in the literature in individuals with IGHMBP2-related disease. This variant is not present in population databases (ExAC no frequency). This sequence change creates a premature translational stop signal (p.Val45Cysfs*4) in the IGHMBP2 gene. It is expected to result in an absent or disrupted protein product. For these reasons, this variant has been classified as Pathogenic.

Literature cited by the submitters: PubMed 14681881; PubMed 25439726; PubMed 25568292.

NM_002180.3(IGHMBP2):c.133del (p.Val45fs)

Gene: IGHMBP2 (immunoglobulin mu DNA binding protein 2; plus strand). Cytogenetic location: 11q13.3.
Variant type: Deletion.
Coding change: c.133del on transcript NM_002180.3 (MANE Select); coding-DNA position 133, one base deleted (G; older notation c.133delG).
Protein change: p.Val45fs; shifts the reading frame from valine 45.
Molecular consequence: frameshift variant.
Genome position (GRCh38, 1-based): chr11:68,906,115, G deleted. VCF-style (leftmost placement, unchanged base first): chr11-68906114-CG-C. GRCh37 (hg19) VCF-style: chr11-68673582-CG-C.
Other names: c.133delG (NM_002180.2); short protein forms V45fs.
Identifiers: ClinVar variation 640505 (VCV000640505.7), dbSNP rs1594415353, ClinGen allele CA915948799.